The following is an entry in ClinVar:

NM_173560.4(RFX6):c.2255G>A (p.Arg752Gln)

Gene: RFX6 (regulatory factor X6; plus strand). Cytogenetic location: 6q22.1.
Variant type: single nucleotide variant.
Coding change: c.2255G>A on transcript NM_173560.4 (MANE Select); coding-DNA position 2255, G replaced by A.
Protein change: p.Arg752Gln; replaces arginine 752 with glutamine.
Molecular consequence: missense variant.
Genome position (GRCh38, 1-based): chr6:116,927,396, G>A. VCF-style: chr6-116927396-G-A. GRCh37 (hg19) VCF-style: chr6-117248559-G-A.
Other names: short protein forms R752Q.
Identifiers: ClinVar variation 2995921 (VCV002995921.1), dbSNP rs779319023, ClinGen allele CA3973508.

ClinVar aggregate classification (germline): Uncertain significance (1 of 4 stars; one submission).

Allele frequency attached by ClinVar (database versions not stated): ExAC 0.00001; gnomAD 0.00001; TOPMed 0.00004.
gnomAD v4.1: 18 of 1,613,898 alleles (0.0011%); highest among the groups gnomAD compares: African/African-American, 0.0027%; no homozygotes.

Submission:

Labcorp Genetics (formerly Invitae), Labcorp
Classification: Uncertain significance. Last evaluated: 2023-09-25. Review status: criteria provided, single submitter. Criteria: Invitae Variant Classification Sherloc (09022015). Collection method: clinical testing. Allele origin: germline.
Comment: This sequence change replaces arginine, which is basic and polar, with glutamine, which is neutral and polar, at codon 752 of the RFX6 protein (p.Arg752Gln). This variant is present in population databases (rs779319023, gnomAD 0.003%). This variant has not been reported in the literature in individuals affected with RFX6-related conditions. Advanced modeling of protein sequence and biophysical properties (such as structural, functional, and spatial information, amino acid conservation, physicochemical variation, residue mobility, and thermodynamic stability) performed at Invitae indicates that this missense variant is not expected to disrupt RFX6 protein function. In summary, the available evidence is currently insufficient to determine the role of this variant in disease. Therefore, it has been classified as a Variant of Uncertain Significance.